The following is an entry in ClinVar:

NM_000540.3(RYR1):c.10377G>A (p.Val3459=)

Gene: RYR1 (ryanodine receptor 1; plus strand). Cytogenetic location: 19q13.2.
Variant type: single nucleotide variant.
Coding change: c.10377G>A on transcript NM_000540.3 (MANE Select); coding-DNA position 10377, G replaced by A.
Protein change: p.Val3459=; no amino-acid change (valine 3459 retained).
Molecular consequence: synonymous variant.
Genome position (GRCh38, 1-based): chr19:38,523,246, G>A. VCF-style: chr19-38523246-G-A. GRCh37 (hg19) VCF-style: chr19-39013886-G-A.
Other names: c.10377G>A, p.Val3459= (NM_001042723.2).
Identifiers: ClinVar variation 3072733 (VCV003072733.2), dbSNP rs962843360, ClinGen allele CA308133673.

ClinVar aggregate classification (germline): Likely benign. Review status: criteria provided, multiple submitters, no conflicts (2 of 4 stars). 2 submissions from 2 submitters: Likely benign (2). Last evaluated 2026-08-01.

Conditions:
Malignant hyperthermia, susceptibility to, 1 (MHS1). Also called: RYR1-Related Malignant Hyperthermia Susceptibility; Anesthesia related hyperthermia; Malignant hyperpyrexia; Fulminating hyperpyrexia; Pharmacogenic myopathy; Malignant hyperthermia suceptibility 1. Identifiers: Orphanet 423, MedGen C2930980, MONDO:0007783, OMIM 145600.

Allele frequency attached by ClinVar (database versions not stated): gnomAD exomes below 0.00001.
gnomAD v4.1: 1 of 1,614,182 alleles (0.000062%); highest among the groups gnomAD compares: Admixed American, 0.0017%; no homozygotes.

Submissions (2):

CeGaT Center for Human Genetics Tuebingen
Classification: Likely benign. Last evaluated: 2026-08-01. Review status: criteria provided, single submitter. Criteria: CeGaT Center For Human Genetics Tuebingen Variant Classification Criteria Version 2. Collection method: clinical testing. Allele origin: germline. Affected: yes. Observed: 1 variant allele.
Comment: RYR1: BP4, BP7

All of Us Research Program, National Institutes of Health
Classification: Likely benign for Malignant hyperthermia, susceptibility to, 1. Last evaluated: 2023-08-15. Review status: criteria provided, single submitter. Criteria: ACMG Guidelines, 2015. Collection method: clinical testing. Allele origin: germline. Inheritance: Autosomal dominant inheritance. Observed: 1 variant allele, 1 heterozygote.
Comment: This study involves interpretation of variants in research participants for the purpose of population health screening. Participant phenotype was not available at the time of variant classification. Additional details can be found in publication PMID: 35346344, PMCID: PMC8962531